The following is an entry in ClinVar:

NM_000088.4(COL1A1):c.1353+2T>C

Gene: COL1A1 (collagen type I alpha 1 chain; minus strand). Cytogenetic location: 17q21.33.
Variant type: single nucleotide variant.
Coding change: c.1353+2T>C on transcript NM_000088.4 (MANE Select); the canonical splice donor site of the intron after coding-DNA position 1353, T replaced by C.
Molecular consequence: splice donor variant.
Genome position (GRCh38, 1-based): chr17:50,195,045, A>G on the plus strand (T>C on the coding strand, the complement: COL1A1 is on the minus strand). VCF-style: chr17-50195045-A-G. GRCh37 (hg19) VCF-style: chr17-48272406-A-G.
Identifiers: ClinVar variation 2736625 (VCV002736625.4), dbSNP rs72648335, ClinGen allele CA291546492.
Genomic context (GRCh38, chr17:50,195,045, plus strand): 5'-CCCTCAGGGGGCTCCTAGGGCAGGGTGGGCTGGGCTGCAAGAAGGATGGCGGGGAGACTT[A>G]CAGGCTCTCCCTTAGCACCAGTGTCTCCTTTGCTGCCAGGAGCACCAGGTTCACCCTGCA-3'

ClinVar aggregate classification (germline): Pathogenic. Review status: criteria provided, multiple submitters, no conflicts (2 of 4 stars). 2 submissions from 2 submitters: Pathogenic (2). Last evaluated 2025-10-21.

Conditions:
COL1A1-related disorder. Also called: COL1A1- related disease; COL1A1-related condition.
Osteogenesis imperfecta type I (OI1). Also called: OI, TYPE I; OSTEOGENESIS IMPERFECTA TARDA; OSTEOGENESIS IMPERFECTA WITH BLUE SCLERAE; Osteogenesis imperfecta type 1; Lobstein's Disease; Lobstein disease. Identifiers: Orphanet 216796, Orphanet 666, MedGen C0023931, MONDO:0008146, OMIM 166200. Disease mechanism: loss of function.

Submissions (2):

Labcorp Genetics (formerly Invitae), Labcorp
Classification: Pathogenic for Osteogenesis imperfecta type I. Last evaluated: 2025-10-21. Review status: criteria provided, single submitter. Criteria: Invitae Variant Classification Sherloc (09022015). Collection method: clinical testing. Allele origin: germline.
Comment: This sequence change affects a donor splice site in intron 20 of the COL1A1 gene. It is expected to disrupt RNA splicing. Variants that disrupt the donor or acceptor splice site typically lead to a loss of protein function (PMID: 16199547), and loss-of-function variants in COL1A1 are known to be pathogenic (PMID: 7942841, 9295084, 9443882). This variant is not present in population databases (gnomAD no frequency). Disruption of this splice site has been observed in individual(s) with osteogenesis imperfecta (PMID: 11317364). This variant is also known as IVS20+2T>C. ClinVar contains an entry for this variant (Variation ID: 2736625). Algorithms developed to predict the effect of sequence changes on RNA splicing suggest that this variant may disrupt the consensus splice site. For these reasons, this variant has been classified as Pathogenic.

Blueprint Genetics
Classification: Pathogenic for COL1A1-related disorders. Last evaluated: 2020-03-09. Review status: criteria provided, single submitter. Criteria: ACMG Guidelines, 2015. Collection method: clinical testing. Allele origin: germline. Affected: yes. Observed: 1 variant allele.

Literature cited by the submitters: PubMed 16199547 (cited by Labcorp Genetics (formerly Invitae), Labcorp); PubMed 7942841 (cited by Labcorp Genetics (formerly Invitae), Labcorp); PubMed 9295084 (cited by Labcorp Genetics (formerly Invitae), Labcorp); PubMed 9443882 (cited by Labcorp Genetics (formerly Invitae), Labcorp); PubMed 11317364 (cited by Labcorp Genetics (formerly Invitae), Labcorp).